The following is an entry in ClinVar:

NM_000282.4(PCCA):c.419A>G (p.His140Arg)

Gene: PCCA (propionyl-CoA carboxylase subunit alpha; plus strand). Cytogenetic location: 13q32.3.
Variant type: single nucleotide variant.
Coding change: c.419A>G on transcript NM_000282.4 (MANE Select); coding-DNA position 419, A replaced by G.
Protein change: p.His140Arg; replaces histidine 140 with arginine.
Molecular consequence: missense variant. On other transcripts: 5 prime UTR variant (3), non-coding transcript variant (5).
Genome position (GRCh38, 1-based): chr13:100,157,291, A>G. VCF-style: chr13-100157291-A-G. GRCh37 (hg19) VCF-style: chr13-100809545-A-G.
Other names: c.341A>G, p.His114Arg (NM_001127692.3, NM_001352607.2, NM_001352608.2); c.419A>G, p.His140Arg (NM_001178004.2, NM_001352605.2, NM_001352606.2 and 1 more transcripts); c.-448A>G (NM_001352610.2, NM_001352611.2, NM_001352612.2); short protein forms H114R, H140R.
Identifiers: ClinVar variation 1931802 (VCV001931802.2), dbSNP rs775593108, ClinGen allele CA7033225.

ClinVar aggregate classification (germline): Uncertain significance (1 of 4 stars; one submission).

Conditions:
Propionic acidemia (PROP). Also called: GLYCINEMIA, KETOTIC; HYPERGLYCINEMIA WITH KETOACIDOSIS AND LEUKOPENIA; KETOTIC HYPERGLYCINEMIA. Identifiers: Orphanet 35, MedGen C0268579, MONDO:0011628, OMIM 606054, HP:0003571.

Allele frequency attached by ClinVar (database versions not stated): TOPMed below 0.00001; ExAC 0.00001; gnomAD exomes 0.00001.
gnomAD v4.1: 17 of 1,609,948 alleles (0.0011%); highest among the groups gnomAD compares: Non-Finnish European, 0.0014%; no homozygotes.

Submission:

Labcorp Genetics (formerly Invitae), Labcorp
Classification: Uncertain significance for Propionic acidemia. Last evaluated: 2022-03-26. Review status: criteria provided, single submitter. Criteria: Invitae Variant Classification Sherloc (09022015). Collection method: clinical testing. Allele origin: germline.
Comment: This sequence change replaces histidine, which is basic and polar, with arginine, which is basic and polar, at codon 140 of the PCCA protein (p.His140Arg). This variant is present in population databases (rs775593108, gnomAD 0.0009%). This variant has not been reported in the literature in individuals affected with PCCA-related conditions. Advanced modeling of protein sequence and biophysical properties (such as structural, functional, and spatial information, amino acid conservation, physicochemical variation, residue mobility, and thermodynamic stability) performed at Invitae indicates that this missense variant is expected to disrupt PCCA protein function. Algorithms developed to predict the effect of sequence changes on RNA splicing suggest that this variant may create or strengthen a splice site. In summary, the available evidence is currently insufficient to determine the role of this variant in disease. Therefore, it has been classified as a Variant of Uncertain Significance.